The following is an entry in ClinVar:

ClinVar aggregate classification (germline): Uncertain significance. Review status: criteria provided, multiple submitters, no conflicts (2 of 4 stars). 2 submissions from 2 submitters: Uncertain significance (2). Last evaluated 2025-02-12.

Conditions:
MPZL2-related disorder. Also called: MPZL2-related condition.
Inborn genetic diseases. Identifiers: MedGen C0950123, MeSH D030342.

Allele frequency attached by ClinVar (database versions not stated): 1000 Genomes Project 30x 0.00016; 1000 Genomes Project 0.00020.
gnomAD v4.1: 2 of 1,613,978 alleles (0.00012%); highest among the groups gnomAD compares: East Asian, 0.0045%; no homozygotes.

Submissions (2):

PreventionGenetics, part of Exact Sciences
Classification: Uncertain significance for MPZL2-related condition. Last evaluated: 2025-02-12. Review status: criteria provided, single submitter. Criteria: ACMG Guidelines, 2015. Collection method: clinical testing. Allele origin: germline.
Comment: The MPZL2 c.212G>A variant is predicted to result in the amino acid substitution p.Gly71Glu. To our knowledge, this variant has not been reported in the literature. This variant is reported in 0.0054% of alleles in individuals of East Asian descent in gnomAD. At this time, the clinical significance of this variant is uncertain due to the absence of conclusive functional and genetic evidence.

Ambry Genetics
Classification: Uncertain significance for Inborn genetic diseases. Last evaluated: 2021-11-29. Review status: criteria provided, single submitter. Criteria: Ambry Variant Classification Scheme 2023. Collection method: clinical testing. Allele origin: germline.

NM_005797.4(MPZL2):c.212G>A (p.Gly71Glu)

Gene: MPZL2 (myelin protein zero like 2; minus strand). Cytogenetic location: 11q23.3.
Variant type: single nucleotide variant.
Coding change: c.212G>A on transcript NM_005797.4 (MANE Select); coding-DNA position 212, G replaced by A.
Protein change: p.Gly71Glu; replaces glycine 71 with glutamic acid.
Molecular consequence: missense variant.
Genome position (GRCh38, 1-based): chr11:118,262,944, C>T on the plus strand (G>A on the coding strand, the complement: MPZL2 is on the minus strand). VCF-style: chr11-118262944-C-T. GRCh37 (hg19) VCF-style: chr11-118133659-C-T.
Other names: c.212G>A, p.Gly71Glu (NM_144765.3); short protein forms G71E.
Identifiers: ClinVar variation 2262306 (VCV002262306.3), dbSNP rs184598629, ClinGen allele CA229492243.